The following is an entry in ClinVar:

NM_021072.3(HCN1):c.851_862del

Gene: HCN1 (hyperpolarization activated cyclic nucleotide gated potassium channel 1; minus strand). Cytogenetic location: 5p12.
Variant type: Deletion.
Coding change: c.851_862del on transcript NM_021072.3; coding-DNA positions 851 to 862, 12 bases deleted (TATTCCACATGA).
Genome position (GRCh38, 1-based): chr5:45,461,995-45,462,006, TCATGTGGAATA deleted on the plus strand (TATTCCACATGA on the coding strand, the reverse complement: HCN1 is on the minus strand); deleting any 12 consecutive bases within chr5:45,461,995-45,462,008 gives the same sequence; the c. name uses the placement nearest the transcript's 3' end. VCF-style (leftmost placement, unchanged base first): chr5-45461994-GTCATGTGGAATA-G. GRCh37 (hg19) VCF-style: chr5-45462096-GTCATGTGGAATA-G.
Identifiers: ClinVar variation 1053542 (VCV001053542.11), dbSNP rs2111627345, ClinGen allele CA2499217867.

ClinVar aggregate classification (germline): Uncertain significance. Review status: criteria provided, multiple submitters, no conflicts (2 of 4 stars). 2 submissions from 2 submitters: Uncertain significance (2). Last evaluated 2024-11-07.

Conditions:
Early-infantile DEE. Also called: Early infantile epileptic encephalopathy; Ohtahara syndrome; Early infantile epileptic encephalopathy with suppression bursts. Identifiers: Orphanet 1934, MedGen C0393706, MONDO:0800491.

Submissions (2):

GeneDx
Classification: Uncertain significance. Last evaluated: 2024-11-07. Review status: criteria provided, single submitter. Criteria: GeneDx Variant Classification Process June 2021. Collection method: clinical testing. Allele origin: germline.
Comment: Not observed at significant frequency in large population cohorts (gnomAD); In-frame deletion of 4 amino acid(s) in a non-repeat region; In silico analysis supports a deleterious effect on protein structure/function; Has not been previously published as pathogenic or benign to our knowledge

Labcorp Genetics (formerly Invitae), Labcorp
Classification: Uncertain significance for Early-infantile DEE. Last evaluated: 2020-07-31. Review status: criteria provided, single submitter. Criteria: Invitae Variant Classification Sherloc (09022015). Collection method: clinical testing. Allele origin: germline.
Comment: This variant, c.851_862del, results in the deletion of 4 amino acid(s) of the HCN1 protein (p.Ile284_Met287del), but otherwise preserves the integrity of the reading frame. In summary, the available evidence is currently insufficient to determine the role of this variant in disease. Therefore, it has been classified as a Variant of Uncertain Significance. Experimental studies and prediction algorithms are not available or were not evaluated, and the functional significance of this variant is currently unknown. This variant has not been reported in the literature in individuals with HCN1-related conditions. This variant is not present in population databases (ExAC no frequency).